The following is an entry in ClinVar:

NM_004360.5(CDH1):c.2024A>G (p.Lys675Arg)

Gene: CDH1 (cadherin 1; plus strand). Cytogenetic location: 16q22.1.
Variant type: single nucleotide variant.
Coding change: c.2024A>G on transcript NM_004360.5 (MANE Select); coding-DNA position 2024, A replaced by G.
Protein change: p.Lys675Arg; replaces lysine 675 with arginine.
Molecular consequence: missense variant.
Genome position (GRCh38, 1-based): chr16:68,823,486, A>G. VCF-style: chr16-68823486-A-G. GRCh37 (hg19) VCF-style: chr16-68857389-A-G.
Other names: c.2024A>G (LRG_301t1); c.1841A>G, p.Lys614Arg (NM_001317184.2); c.476A>G, p.Lys159Arg (NM_001317185.2); c.59A>G, p.Lys20Arg (NM_001317186.2); short protein forms K675R, K159R, K20R, K614R.
Identifiers: ClinVar variation 233157 (VCV000233157.14), dbSNP rs876660230, ClinGen allele CA10580144.
Genomic context (GRCh38, chr16:68,823,486, plus strand): 5'-AGATGGCCTTAGAGGTGGGTGACTACAAAATCAATCTCAAGCTCATGGATAACCAGAATA[A>G]AGACCAAGTGACCACCTTAGAGGTCAGCGTGTGTGACTGTGAAGGGGCCGCTGGCGTCTG-3'
Protein context (NP_004351.1, residues 665-685): INLKLMDNQN[Lys675Arg]DQVTTLEVSV

ClinVar aggregate classification (germline): Uncertain significance. Review status: criteria provided, multiple submitters, no conflicts (2 of 4 stars). 2 submissions from 2 submitters: Uncertain significance (2). Last evaluated 2026-07-24.

Conditions:
Hereditary cancer-predisposing syndrome. Also called: Tumor predisposition; Neoplastic Syndromes, Hereditary; Hereditary Cancer Syndrome; Hereditary neoplastic syndrome. Identifiers: Orphanet 140162, MedGen C0027672, MeSH D009386, MONDO:0015356.
Hereditary diffuse gastric adenocarcinoma (HDGC). Also called: DIFFUSE GASTRIC AND LOBULAR BREAST CANCER SYNDROME. Identifiers: Orphanet 26106, MedGen C1708349, MONDO:0007648, OMIM 137215.

Submissions (2):

Ambry Genetics
Classification: Uncertain significance for Hereditary cancer-predisposing syndrome. Last evaluated: 2026-07-24. Review status: criteria provided, single submitter. Criteria: Ambry Variant Classification Scheme 2023. Collection method: clinical testing. Allele origin: germline.
Comment: The p.K675R variant (also known as c.2024A>G), located in coding exon 13 of the CDH1 gene, results from an A to G substitution at nucleotide position 2024. The lysine at codon 675 is replaced by arginine, an amino acid with highly similar properties. This amino acid position is well conserved in available vertebrate species. In addition, this alteration is predicted to be tolerated by in silico analysis. Based on the available evidence, the clinical significance of this variant remains unclear.

Labcorp Genetics (formerly Invitae), Labcorp
Classification: Uncertain significance for Hereditary diffuse gastric adenocarcinoma. Last evaluated: 2024-02-20. Review status: criteria provided, single submitter. Criteria: Invitae Variant Classification Sherloc (09022015). Collection method: clinical testing. Allele origin: germline.
Comment: This sequence change replaces lysine, which is basic and polar, with arginine, which is basic and polar, at codon 675 of the CDH1 protein (p.Lys675Arg). This variant is not present in population databases (gnomAD no frequency). This missense change has been observed in individual(s) with clinical features of CDH1-related conditions (Invitae). ClinVar contains an entry for this variant (Variation ID: 233157). An algorithm developed to predict the effect of missense changes on protein structure and function (PolyPhen-2) suggests that this variant is likely to be tolerated. In summary, the available evidence is currently insufficient to determine the role of this variant in disease. Therefore, it has been classified as a Variant of Uncertain Significance.